The following is an entry in ClinVar:

ClinVar aggregate classification (germline): Pathogenic. Review status: criteria provided, multiple submitters, no conflicts (2 of 4 stars). 5 submissions from 5 submitters: Pathogenic (4). 1 of the submissions does not count toward it. Last evaluated 2026-09-17.

Conditions:
HSD3B7-related disorder. Also called: HSD3B7-related condition.
Congenital bile acid synthesis defect 1 (CBAS1). Also called: 3-BETA-HYDROXY-DELTA-5-C27-STEROID OXIDOREDUCTASE DEFICIENCY. Identifiers: Orphanet 79301, MedGen C1843116, MONDO:0011906, OMIM 607765.

Submissions (5):

PreventionGenetics, part of Exact Sciences
Classification: Pathogenic for HSD3B7-related condition. Last evaluated: 2026-09-17. Review status: criteria provided, single submitter. Criteria: ACMG Guidelines, 2015. Collection method: clinical testing. Allele origin: germline.
Comment: The HSD3B7 c.294dupC variant is predicted to result in a frameshift and premature protein termination (p.Lys99Glnfs*5). This variant has been reported in a homozygous status to be causative for 3beta-hydroxy-Delta5-C27-steroid oxidoreductase deficiency, an autosomal recessive form of neonatal cholestasis (reported as 310, iC in Cheng et al. 2003. PubMed ID: 12679481). This variant is reported in 0.0097% of alleles in individuals of Ashkenazi Jewish descent in gnomAD. Frameshift variants in HSD3B7 are expected to be pathogenic. This variant is interpreted as pathogenic.

Labcorp Genetics (formerly Invitae), Labcorp
Classification: Pathogenic. Last evaluated: 2026-01-18. Review status: criteria provided, single submitter. Criteria: Invitae Variant Classification Sherloc (09022015). Collection method: clinical testing. Allele origin: germline.
Comment: This sequence change creates a premature translational stop signal (p.Lys99Glnfs*5) in the HSD3B7 gene. It is expected to result in an absent or disrupted protein product. Loss-of-function variants in HSD3B7 are known to be pathogenic (PMID: 12679481). This variant is present in population databases (rs397514443, gnomAD 0.01%). This premature translational stop signal has been observed in individual(s) with neonatal cholestasis (PMID: 12679481). This variant is also known as 310, iC. ClinVar contains an entry for this variant (Variation ID: 2882). Algorithms developed to predict the effect of sequence changes on RNA splicing suggest that this variant may disrupt the consensus splice site. For these reasons, this variant has been classified as Pathogenic.

Dasa
Classification: Pathogenic. Last evaluated: 2024-07-15. Review status: criteria provided, single submitter. Criteria: DASA Assertion Criteria. Collection method: clinical testing. Allele origin: germline.
Comment: NM_025193.4(HSD3B7):c.294dup (p.Lys99Glnfs*5) introduces a premature termination codon predicted to result in loss of normal protein function. Loss-of-function is an established mechanism of disease for this gene. This variant has been reported in individuals with related phenotype (PMID: 12679481). Multiple computational predictions support a deleterious effect on the gene or gene product. The variant is present at low frequency in population datasets. Based on the available data, this variant is classified as pathogenic.

Eurofins Ntd Llc (ga)
Classification: Pathogenic. Last evaluated: 2017-01-13. Review status: criteria provided, single submitter. Criteria: EGL Classification Definitions 2015. Collection method: clinical testing. Allele origin: germline. Observed: 3 variant alleles, 3 homozygotes.

OMIM
Classification: Pathogenic for BILE ACID SYNTHESIS DEFECT, CONGENITAL, 1. Last evaluated: 2003-04-01. Review status: no assertion criteria provided. Collection method: literature only. Allele origin: germline. Not counted in ClinVar's aggregate classification.

Literature cited by the submitters: PubMed 12679481 (cited by 4 submitters).

NM_025193.4(HSD3B7):c.294dup (p.Lys99fs)

Gene: HSD3B7 (hydroxy-delta-5-steroid dehydrogenase, 3 beta- and steroid delta-isomerase 7; plus strand). Cytogenetic location: 16p11.2.
Variant type: Duplication.
Coding change: c.294dup on transcript NM_025193.4 (MANE Select); coding-DNA position 294, one base duplicated (C; older notation c.294dupC).
Protein change: p.Lys99fs; shifts the reading frame from lysine 99.
Molecular consequence: frameshift variant.
Genome position (GRCh38, 1-based): chr16:30,986,176, C duplicated; the last of 3 consecutive C bases (chr16:30,986,174-30,986,176); duplicating any one gives the same sequence. VCF-style (leftmost placement, unchanged base first): chr16-30986173-T-TC. GRCh37 (hg19) VCF-style: chr16-30997494-T-TC.
Other names: c.294dup, p.Lys99fs (NM_001142777.2, NM_001142778.2); c.294dupC (NM_025193.3); short protein forms K99fs.
Identifiers: ClinVar variation 2882 (VCV000002882.8), dbSNP rs397514443, ClinGen allele CA115825.